The following is an entry in ClinVar:

NM_018670.4(MESP1):c.559C>G (p.Arg187Gly)

Genes: MESP1 (mesoderm posterior bHLH transcription factor 1; minus strand), LOC130057888 (ATAC-STARR-seq lymphoblastoid silent region 6803; plus strand). Cytogenetic location: 15q26.1.
Variant type: single nucleotide variant.
Coding change: c.559C>G on transcript NM_018670.4 (MANE Select); coding-DNA position 559, C replaced by G.
Protein change: p.Arg187Gly; replaces arginine 187 with glycine.
Molecular consequence: missense variant.
Genome position (GRCh38, 1-based): chr15:89,750,673, G>C on the plus strand (C>G on the coding strand, the complement: MESP1 is on the minus strand). VCF-style: chr15-89750673-G-C. GRCh37 (hg19) VCF-style: chr15-90293904-G-C.
Other names: short protein forms R187G.
Identifiers: ClinVar variation 3686930 (VCV003686930.2).
Genomic context (GRCh38, chr15:89,750,673, plus strand): 5'-AGGCAGGCGGGGATCCCCAGGACGCCCCGGCGCGGACGGCGGATACCAGGCCCAGCCCGC[G>C]CCCCTGCCCCTGCCCCTCAGCCTGCGTCCGTGTCTGCATCTGCGCGGGGCAGTCGTCGGG-3'
Protein context (NP_061140.1, residues 177-197): RTQAEGQGQG[Arg187Gly]GLGLVSAVRA

ClinVar aggregate classification (germline): Uncertain significance (1 of 4 stars; one submission).

Submission:

Labcorp Genetics (formerly Invitae), Labcorp
Classification: Uncertain significance. Last evaluated: 2024-11-22. Review status: criteria provided, single submitter. Criteria: Invitae Variant Classification Sherloc (09022015). Collection method: clinical testing. Allele origin: germline.
Comment: This sequence change replaces arginine, which is basic and polar, with glycine, which is neutral and non-polar, at codon 187 of the MESP1 protein (p.Arg187Gly). This variant is not present in population databases (gnomAD no frequency). This variant has not been reported in the literature in individuals affected with MESP1-related conditions. An algorithm developed to predict the effect of missense changes on protein structure and function (PolyPhen-2) suggests that this variant is likely to be tolerated. In summary, the available evidence is currently insufficient to determine the role of this variant in disease. Therefore, it has been classified as a Variant of Uncertain Significance.